The following is an entry in ClinVar:

ClinVar aggregate classification (germline): Likely benign (1 of 4 stars; one submission).

gnomAD v4.1: 930 of 1,614,208 alleles (0.058%); highest among the groups gnomAD compares: Admixed American, 0.15%; no homozygotes.

Submission:

CeGaT Center for Human Genetics Tuebingen
Classification: Likely benign. Last evaluated: 2026-09-01. Review status: criteria provided, single submitter. Criteria: CeGaT Center For Human Genetics Tuebingen Variant Classification Criteria Version 2. Collection method: clinical testing. Allele origin: germline. Affected: yes. Observed: 1 variant allele.
Comment: MACF1: BP4, BS2

NM_001394062.1(MACF1):c.9421A>G (p.Arg3141Gly)

Gene: MACF1 (microtubule actin crosslinking factor 1; plus strand). Cytogenetic location: 1p34.3.
Variant type: single nucleotide variant.
Coding change: c.9421A>G on transcript NM_001394062.1 (MANE Select); coding-DNA position 9421, A replaced by G.
Protein change: p.Arg3141Gly; replaces arginine 3141 with glycine.
Molecular consequence: missense variant. On other transcripts: intron variant (1).
Genome position (GRCh38, 1-based): chr1:39,336,009, A>G. VCF-style: chr1-39336009-A-G. GRCh37 (hg19) VCF-style: chr1-39801681-A-G.
Other names: c.4629+8656A>G (NM_012090.5); short protein forms R3141G.
Identifiers: ClinVar variation 5040934 (VCV005040934.1).
Genomic context (GRCh38, chr1:39,336,009, plus strand): 5'-GCCCAAGTGACAGGCCCATCCCAAATTTCCAAAACAGACAAGTCTTTCCAAGGAACCACC[A>G]GACAGGAGACCAACTATCAAGATTCCTGGGTTACTTCGAAAACTAAGGAAACCAAACATC-3'
Protein context (NP_001380991.1, residues 3131-3151): KTDKSFQGTT[Arg3141Gly]QETNYQDSWV